The following is an entry in ClinVar:

ClinVar aggregate classification (germline): Uncertain significance. Review status: criteria provided, multiple submitters, no conflicts (2 of 4 stars). 2 submissions from 2 submitters: Uncertain significance (2). Last evaluated 2026-01-22.

Submissions (2):

Women's Health and Genetics/Laboratory Corporation of America, LabCorp
Classification: Uncertain significance. Last evaluated: 2026-01-22. Review status: criteria provided, single submitter. Criteria: LabCorp Variant Classification Summary - May 2015. Collection method: clinical testing. Allele origin: germline.

GeneDx
Classification: Uncertain significance. Last evaluated: 2020-02-13. Review status: criteria provided, single submitter. Criteria: GeneDx Variant Classification Process June 2021. Collection method: clinical testing. Allele origin: germline. Affected: yes.
Comment: Not observed in large population cohorts (Lek et al., 2016); In silico analysis supports that this variant does not alter splicing; Has not been previously published as pathogenic or benign to our knowledge

NM_000091.5(COL4A3):c.87G>A (p.Lys29=)

Genes: COL4A3 (collagen type IV alpha 3 chain; plus strand), LOC129935730 (ATAC-STARR-seq lymphoblastoid silent region 12397; plus strand). Cytogenetic location: 2q36.3.
Variant type: single nucleotide variant.
Coding change: c.87G>A on transcript NM_000091.5 (MANE Select); coding-DNA position 87, G replaced by A.
Protein change: p.Lys29=; no amino-acid change (lysine 29 retained).
Molecular consequence: synonymous variant.
Genome position (GRCh38, 1-based): chr2:227,164,813, G>A. VCF-style: chr2-227164813-G-A. GRCh37 (hg19) VCF-style: chr2-228029529-G-A.
Identifiers: ClinVar variation 1306182 (VCV001306182.3), dbSNP rs2065153716, ClinGen allele CA431500602.